The following is an entry in ClinVar:

NM_133178.4(PTPRU):c.1230C>T (p.Asn410=)

Gene: PTPRU (protein tyrosine phosphatase receptor type U; plus strand). Cytogenetic location: 1p35.3.
Variant type: single nucleotide variant.
Coding change: c.1230C>T on transcript NM_133178.4 (MANE Select); coding-DNA position 1230, C replaced by T.
Protein change: p.Asn410=; no amino-acid change (asparagine 410 retained).
Molecular consequence: synonymous variant.
Genome position (GRCh38, 1-based): chr1:29,275,533, C>T. VCF-style: chr1-29275533-C-T. GRCh37 (hg19) VCF-style: chr1-29602045-C-T.
Other names: c.1230C>T, p.Asn410= (NM_001195001.2, NM_005704.5, NM_133177.4).
Identifiers: ClinVar variation 4983240 (VCV004983240.1).

ClinVar aggregate classification (germline): Likely benign (1 of 4 stars; one submission).

Conditions:
PTPRU-related disorder. Also called: PTPRU-related condition.

gnomAD v4.1: 175 of 1,614,214 alleles (0.011%); highest among the groups gnomAD compares: African/African-American, 0.16%; 2 homozygotes.

Submission:

PreventionGenetics, part of Exact Sciences
Classification: Likely benign for PTPRU-related condition. Last evaluated: 2026-04-01. Review status: criteria provided, single submitter. Criteria: ACMG Guidelines, 2015. Collection method: clinical testing. Allele origin: germline.
Comment: This variant is classified as likely benign based on ACMG/AMP sequence variant interpretation guidelines (Richards et al. 2015 PMID: 25741868, with internal and published modifications).